The following is an entry in ClinVar:

NM_144687.4(NLRP12):c.121G>A (p.Gly41Ser)

Gene: NLRP12 (NLR family pyrin domain containing 12; minus strand). Cytogenetic location: 19q13.42.
Variant type: single nucleotide variant.
Coding change: c.121G>A on transcript NM_144687.4 (MANE Select); coding-DNA position 121, G replaced by A.
Protein change: p.Gly41Ser; replaces glycine 41 with serine.
Molecular consequence: missense variant.
Genome position (GRCh38, 1-based): chr19:53,824,054, C>T on the plus strand (G>A on the coding strand, the complement: NLRP12 is on the minus strand). VCF-style: chr19-53824054-C-T. GRCh37 (hg19) VCF-style: chr19-54327308-C-T.
Other names: c.121G>A, p.Gly41Ser (NM_001277126.2, NM_001277129.1); short protein forms G41S.
Identifiers: ClinVar variation 1355263 (VCV001355263.8), dbSNP rs756104068, ClinGen allele CA9639830.

ClinVar aggregate classification (germline): Uncertain significance. Review status: criteria provided, multiple submitters, no conflicts (2 of 4 stars). 2 submissions from 2 submitters: Uncertain significance (2). Last evaluated 2025-09-23.

Conditions:
Familial cold autoinflammatory syndrome 2 (FCAS2). Identifiers: Orphanet 247868, MedGen C2673198, MONDO:0012724, OMIM 611762.

Allele frequency attached by ClinVar (database versions not stated): ExAC 0.00001; gnomAD 0.00001; gnomAD exomes 0.00001 and 0.00003; TOPMed 0.00002.

Submissions (2):

Labcorp Genetics (formerly Invitae), Labcorp
Classification: Uncertain significance for Familial cold autoinflammatory syndrome 2. Last evaluated: 2025-09-23. Review status: criteria provided, single submitter. Criteria: Invitae Variant Classification Sherloc (09022015). Collection method: clinical testing. Allele origin: germline.
Comment: This sequence change replaces glycine, which is neutral and non-polar, with serine, which is neutral and polar, at codon 41 of the NLRP12 protein (p.Gly41Ser). This variant is present in population databases (rs756104068, gnomAD 0.002%). This variant has not been reported in the literature in individuals affected with NLRP12-related conditions. ClinVar contains an entry for this variant (Variation ID: 1355263). Invitae Evidence Modeling of protein sequence and biophysical properties (such as structural, functional, and spatial information, amino acid conservation, physicochemical variation, residue mobility, and thermodynamic stability) indicates that this missense variant is not expected to disrupt NLRP12 protein function with a negative predictive value of 80%. In summary, the available evidence is currently insufficient to determine the role of this variant in disease. Therefore, it has been classified as a Variant of Uncertain Significance.

ARUP Laboratories, Molecular Genetics and Genomics, ARUP Laboratories
Classification: Uncertain significance for Familial cold autoinflammatory syndrome 2. Last evaluated: 2025-04-03. Review status: criteria provided, single submitter. Criteria: ARUP Molecular Germline Variant Investigation Process 2024. Collection method: clinical testing. Allele origin: germline.
Comment: The NLRP12 c.121G>A; p.Gly41Ser variant (rs756104068, ClinVar Variation ID: 1355263) is reported in the literature in one individual affected with a pediatric nonmalignant lymphoproliferative disorder, however, this individual also carried a disease causing CDC42 variant (Forbes 2022). This variant is only observed on two alleles in the Genome Aggregation Database (v2.1.1), indicating it is not a common polymorphism. Computational analyses predict that this variant is neutral (REVEL: 0.127). Due to limited information, the clinical significance of this variant is uncertain at this time. References: Forbes LR et al. Genetic errors of immunity distinguish pediatric nonmalignant lymphoproliferative disorders. J Allergy Clin Immunol. 2022 Feb;149(2):758-766. PMID: 34329649.